The following is an entry in ClinVar:

NM_178822.5(IGSF10):c.1518C>T (p.His506=)

Gene: IGSF10 (immunoglobulin superfamily member 10; minus strand). Cytogenetic location: 3q25.1.
Variant type: single nucleotide variant.
Coding change: c.1518C>T on transcript NM_178822.5 (MANE Select); coding-DNA position 1518, C replaced by T.
Protein change: p.His506=; no amino-acid change (histidine 506 retained).
Molecular consequence: synonymous variant.
Genome position (GRCh38, 1-based): chr3:151,448,463, G>A on the plus strand (C>T on the coding strand, the complement: IGSF10 is on the minus strand). VCF-style: chr3-151448463-G-A. GRCh37 (hg19) VCF-style: chr3-151166251-G-A.
Other names: c.1518C>T, p.His506= (NM_001385060.1, NM_001385061.1, NM_001385062.1 and 1 more transcripts).
Identifiers: ClinVar variation 2654241 (VCV002654241.24), dbSNP rs759766566, ClinGen allele CA2670528.

ClinVar aggregate classification (germline): Likely benign (1 of 4 stars; one submission).

Allele frequency attached by ClinVar (database versions not stated): gnomAD 0.00002; TOPMed 0.00003.
gnomAD v4.1: 82 of 1,614,052 alleles (0.0051%); highest among the groups gnomAD compares: South Asian, 0.034%; 1 homozygote.

Submission:

CeGaT Center for Human Genetics Tuebingen
Classification: Likely benign. Last evaluated: 2022-11-01. Review status: criteria provided, single submitter. Criteria: CeGaT Center For Human Genetics Tuebingen Variant Classification Criteria Version 2. Collection method: clinical testing. Allele origin: germline. Affected: yes. Observed: 1 variant allele.
Comment: IGSF10: BP4, BP7